The following is an entry in ClinVar:

NM_001367624.2(ZNF469):c.10310T>A (p.Met3437Lys)

Gene: ZNF469 (zinc finger protein 469; plus strand). Cytogenetic location: 16q24.2.
Variant type: single nucleotide variant.
Coding change: c.10310T>A on transcript NM_001367624.2 (MANE Select); coding-DNA position 10310, T replaced by A.
Protein change: p.Met3437Lys; replaces methionine 3437 with lysine.
Molecular consequence: missense variant.
Genome position (GRCh38, 1-based): chr16:88,437,780, T>A. VCF-style: chr16-88437780-T-A. GRCh37 (hg19) VCF-style: chr16-88504188-T-A.
Other names: NM_001127464.1:c.10226T>A; short protein forms M3437K.
Identifiers: ClinVar variation 1762803 (VCV001762803.2), dbSNP rs1906699517, ClinGen allele CA397126518.

ClinVar aggregate classification (germline): Uncertain significance (1 of 4 stars; one submission).

Conditions:
Cardiovascular phenotype. Identifiers: MedGen CN230736.

Submission:

Ambry Genetics
Classification: Uncertain significance for Cardiovascular phenotype. Last evaluated: 2019-06-24. Review status: criteria provided, single submitter. Criteria: Ambry Variant Classification Scheme 2023. Collection method: clinical testing. Allele origin: germline.
Comment: The p.M3409K variant (also known as c.10226T>A), located in coding exon 2 of the ZNF469 gene, results from a T to A substitution at nucleotide position 10226. The methionine at codon 3409 is replaced by lysine, an amino acid with similar properties. This amino acid position is well conserved in available vertebrate species. In addition, this alteration is predicted to be tolerated by in silico analysis. Since supporting evidence is limited at this time, the clinical significance of this alteration remains unclear.